The following is an entry in ClinVar:

ClinVar aggregate classification (germline): Uncertain significance (1 of 4 stars; one submission).

Conditions:
Charcot-Marie-Tooth disease, type I (CMT1). Also called: Charcot-Marie-Tooth disease type 1; Charcot-Marie-Tooth, Type 1. Identifiers: Orphanet 65753, MedGen C0751036, MONDO:0019011.

Submission:

Labcorp Genetics (formerly Invitae), Labcorp
Classification: Uncertain significance for Charcot-Marie-Tooth disease, type I. Last evaluated: 2024-11-11. Review status: criteria provided, single submitter. Criteria: Invitae Variant Classification Sherloc (09022015). Collection method: clinical testing. Allele origin: germline.
Comment: This sequence change replaces threonine, which is neutral and polar, with alanine, which is neutral and non-polar, at codon 241 of the EGR2 protein (p.Thr241Ala). This variant is not present in population databases (gnomAD no frequency). This variant has not been reported in the literature in individuals affected with EGR2-related conditions. ClinVar contains an entry for this variant (Variation ID: 969716). Invitae Evidence Modeling of protein sequence and biophysical properties (such as structural, functional, and spatial information, amino acid conservation, physicochemical variation, residue mobility, and thermodynamic stability) indicates that this missense variant is not expected to disrupt EGR2 protein function with a negative predictive value of 80%. In summary, the available evidence is currently insufficient to determine the role of this variant in disease. Therefore, it has been classified as a Variant of Uncertain Significance.

NM_000399.5(EGR2):c.721A>G (p.Thr241Ala)

Gene: EGR2 (early growth response 2; minus strand). Cytogenetic location: 10q21.3.
Variant type: single nucleotide variant.
Coding change: c.721A>G on transcript NM_000399.5 (MANE Select); coding-DNA position 721, A replaced by G.
Protein change: p.Thr241Ala; replaces threonine 241 with alanine.
Molecular consequence: missense variant.
Genome position (GRCh38, 1-based): chr10:62,813,917, T>C on the plus strand (A>G on the coding strand, the complement: EGR2 is on the minus strand). VCF-style: chr10-62813917-T-C. GRCh37 (hg19) VCF-style: chr10-64573677-T-C.
Other names: c.721A>G, p.Thr241Ala (NM_001136177.3, NM_001136178.2); c.571A>G, p.Thr191Ala (NM_001136179.3, NM_001321037.2); short protein forms T241A, T191A.
Identifiers: ClinVar variation 969716 (VCV000969716.10), dbSNP rs1842190431, ClinGen allele CA377029085.